The following is an entry in ClinVar:

ClinVar aggregate classification (germline): Likely pathogenic (1 of 4 stars; one submission).

Conditions:
Alport syndrome. Also called: Hemorrhagic familial nephritis; Hemorrhagic hereditary nephritis; Congenital hereditary hematuria. Identifiers: Orphanet 63, MedGen C1567741, MONDO:0018965.

Submission:

Natera, Inc.
Classification: Likely pathogenic for Alport syndrome. Last evaluated: 2025-02-26. Review status: criteria provided, single submitter. Criteria: Natera Variant Classification Schema (03/2026). Collection method: clinical testing. Allele origin: germline.
Comment: The c.4081+1G>T variant in COL4A4 is a canonical splice donor site variant predicted to affect pre-mRNA splicing, which may result in an abnormal transcript and altered protein product. This variant is expected to result in nonsense mediated decay, truncation, or a dysfunctional protein product. This variant is rare in the general population with a frequency below the threshold expected for the associated phenotype(s). Given the available evidence, this variant is classified as Likely Pathogenic.

NM_000092.5(COL4A4):c.4081+1G>T

Gene: COL4A4 (collagen type IV alpha 4 chain; minus strand). Cytogenetic location: 2q36.3.
Variant type: single nucleotide variant.
Coding change: c.4081+1G>T on transcript NM_000092.5 (MANE Select); the canonical splice donor site of the intron after coding-DNA position 4081, G replaced by T.
Molecular consequence: splice donor variant.
Genome position (GRCh38, 1-based): chr2:227,027,901, C>A on the plus strand (G>T on the coding strand, the complement: COL4A4 is on the minus strand). VCF-style: chr2-227027901-C-A. GRCh37 (hg19) VCF-style: chr2-227892617-C-A.
Identifiers: ClinVar variation 4065040 (VCV004065040.2).